The following is an entry in ClinVar:

NM_014391.3(ANKRD1):c.272T>C (p.Ile91Thr)

Gene: ANKRD1 (ankyrin repeat domain 1; minus strand). Cytogenetic location: 10q23.31.
Variant type: single nucleotide variant.
Coding change: c.272T>C on transcript NM_014391.3 (MANE Select); coding-DNA position 272, T replaced by C.
Protein change: p.Ile91Thr; replaces isoleucine 91 with threonine.
Molecular consequence: missense variant.
Genome position (GRCh38, 1-based): chr10:90,919,204, A>G on the plus strand (T>C on the coding strand, the complement: ANKRD1 is on the minus strand). VCF-style: chr10-90919204-A-G. GRCh37 (hg19) VCF-style: chr10-92678961-A-G.
Other names: short protein forms I91T.
Identifiers: ClinVar variation 2049787 (VCV002049787.4), dbSNP rs1847406250, ClinGen allele CA377552794.

ClinVar aggregate classification (germline): Uncertain significance (1 of 4 stars; one submission).

Conditions:
ANKRD1-related dilated cardiomyopathy. Identifiers: MedGen CN119551.

Allele frequency attached by ClinVar (database versions not stated): gnomAD exomes below 0.00001.
gnomAD v4.1: 1 of 1,611,702 alleles (0.000062%); highest among the groups gnomAD compares: East Asian, 0.0022%; no homozygotes.

Submission:

Labcorp Genetics (formerly Invitae), Labcorp
Classification: Uncertain significance for ANKRD1-related dilated cardiomyopathy. Last evaluated: 2022-05-11. Review status: criteria provided, single submitter. Criteria: Invitae Variant Classification Sherloc (09022015). Collection method: clinical testing. Allele origin: germline.
Comment: This sequence change replaces isoleucine, which is neutral and non-polar, with threonine, which is neutral and polar, at codon 91 of the ANKRD1 protein (p.Ile91Thr). This variant is not present in population databases (gnomAD no frequency). This variant has not been reported in the literature in individuals affected with ANKRD1-related conditions. Algorithms developed to predict the effect of missense changes on protein structure and function are either unavailable or do not agree on the potential impact of this missense change (SIFT: "Deleterious"; PolyPhen-2: "Benign"; Align-GVGD: "Class C0"). In summary, the available evidence is currently insufficient to determine the role of this variant in disease. Therefore, it has been classified as a Variant of Uncertain Significance.